The following is an entry in ClinVar:

NM_000138.5(FBN1):c.3350G>A (p.Cys1117Tyr)

Gene: FBN1 (fibrillin 1; minus strand). Cytogenetic location: 15q21.1.
Variant type: single nucleotide variant.
Coding change: c.3350G>A on transcript NM_000138.5 (MANE Select); coding-DNA position 3350, G replaced by A.
Protein change: p.Cys1117Tyr; replaces cysteine 1117 with tyrosine.
Molecular consequence: missense variant.
Genome position (GRCh38, 1-based): chr15:48,487,425, C>T on the plus strand (G>A on the coding strand, the complement: FBN1 is on the minus strand). VCF-style: chr15-48487425-C-T. GRCh37 (hg19) VCF-style: chr15-48779622-C-T.
Other names: c.3350G>A (NM_000138.4); short protein forms C1117Y.
Identifiers: ClinVar variation 16428 (VCV000016428.6), dbSNP rs137854470, ClinGen allele CA013991.

ClinVar aggregate classification (germline): Pathogenic/Likely pathogenic. Review status: criteria provided, multiple submitters, no conflicts (2 of 4 stars). 3 submissions from 3 submitters: Pathogenic (1); Likely pathogenic (1). 1 of the submissions does not count toward it. Last evaluated 2026-03-12.

Conditions:
Familial thoracic aortic aneurysm and aortic dissection (TAAD). Also called: Thoracic aortic aneurysms and dissections. Identifiers: Orphanet 91387, MedGen C4707243, MONDO:0019625.
Marfan syndrome (MFS). Also called: FBN1-Related Marfan Syndrome; Marfan syndrome type 1; Marfan's syndrome; Marfan syndrome, classic; MARFAN SYNDROME, TYPE I. Identifiers: Orphanet 284963, Orphanet 558, MedGen C0024796, MONDO:0007947, OMIM 154700.

Submissions (3):

GeneDx
Classification: Likely pathogenic. Last evaluated: 2026-03-12. Review status: criteria provided, single submitter. Criteria: GeneDx Variant Classification Process June 2021. Collection method: clinical testing. Allele origin: germline.
Comment: Affects a cysteine residue/Introduces a new cysteine residue] within an EGF-like domain of the FBN1 gene, which may affect disulfide bonding and is predicted to alter the structure and function of the protein; cysteine substitutions in the EGF-like domains represent the majority of pathogenic missense changes associated with FBN1-related disorders (PMID: 12938084); Not observed at significant frequency in large population cohorts (gnomAD); In silico analysis supports that this missense variant has a deleterious effect on protein structure/function; This variant is associated with the following publications: (PMID: 12938084, 8281141)

Labcorp Genetics (formerly Invitae), Labcorp
Classification: Pathogenic for Marfan syndrome; Familial thoracic aortic aneurysm and aortic dissection. Last evaluated: 2022-10-27. Review status: criteria provided, single submitter. Criteria: Invitae Variant Classification Sherloc (09022015). Collection method: clinical testing. Allele origin: germline.
Comment: This missense change has been observed in individuals with Marfan syndrome (PMID: 8281141, 14695540). For these reasons, this variant has been classified as Pathogenic. This variant disrupts the p.Cys1117 amino acid residue in FBN1. Other variant(s) that disrupt this residue have been observed in individuals with FBN1-related conditions (PMID: 8882780, 22772377), which suggests that this may be a clinically significant amino acid residue. This variant affects a cysteine residue in the EGF-like, TGFBP or hybrid motif domains of FBN1. Cysteine residues are believed to be involved in intramolecular disulfide bridges and have been shown to be important for FBN1 protein structure (PMID: 16905551, 19349279). In addition, missense substitutions affecting cysteine residues within these domains are significantly overrepresented among patients with Marfan syndrome (PMID: 16571647, 17701892). Advanced modeling of protein sequence and biophysical properties (such as structural, functional, and spatial information, amino acid conservation, physicochemical variation, residue mobility, and thermodynamic stability) performed at Invitae indicates that this missense variant is expected to disrupt FBN1 protein function. ClinVar contains an entry for this variant (Variation ID: 16428). This variant is not present in population databases (gnomAD no frequency). This sequence change replaces cysteine, which is neutral and slightly polar, with tyrosine, which is neutral and polar, at codon 1117 of the FBN1 protein (p.Cys1117Tyr).

OMIM
Classification: Pathogenic for MARFAN SYNDROME. Last evaluated: 1993-11-01. Review status: no assertion criteria provided. Collection method: literature only. Allele origin: germline. Not counted in ClinVar's aggregate classification.

Literature cited by the submitters: PubMed 8281141 (cited by Labcorp Genetics (formerly Invitae), Labcorp and OMIM); PubMed 14695540 (cited by Labcorp Genetics (formerly Invitae), Labcorp); PubMed 8882780 (cited by Labcorp Genetics (formerly Invitae), Labcorp); PubMed 22772377 (cited by Labcorp Genetics (formerly Invitae), Labcorp); PubMed 16905551 (cited by Labcorp Genetics (formerly Invitae), Labcorp); PubMed 19349279 (cited by Labcorp Genetics (formerly Invitae), Labcorp); PubMed 16571647 (cited by Labcorp Genetics (formerly Invitae), Labcorp); PubMed 17701892 (cited by Labcorp Genetics (formerly Invitae), Labcorp).